The following is an entry in ClinVar:

NM_000092.5(COL4A4):c.3206G>A (p.Gly1069Glu)

Gene: COL4A4 (collagen type IV alpha 4 chain; minus strand). Cytogenetic location: 2q36.3.
Variant type: single nucleotide variant.
Coding change: c.3206G>A on transcript NM_000092.5 (MANE Select); coding-DNA position 3206, G replaced by A.
Protein change: p.Gly1069Glu; replaces glycine 1069 with glutamic acid.
Molecular consequence: missense variant.
Genome position (GRCh38, 1-based): chr2:227,050,076, C>T on the plus strand (G>A on the coding strand, the complement: COL4A4 is on the minus strand). VCF-style: chr2-227050076-C-T. GRCh37 (hg19) VCF-style: chr2-227914792-C-T.
Other names: short protein forms G1069E.
Identifiers: ClinVar variation 1445064 (VCV001445064.8), dbSNP rs2150172344, ClinGen allele CA350838805.
Genomic context (GRCh38, chr2:227,050,076, plus strand): 5'-AACATTCGGGACTATGCATTTGACAGATGGCTTCTGTATCTCCAAACCATACCTTTAGGT[C>T]CTCTTGCTCCATCAATTCCTGAAAATCCAGGGGGACCTGGAGAACCTGGCTCACCCTGAC-3'
Protein context (NP_000083.3, residues 1059-1079): PGFSGIDGAR[Gly1069Glu]PKGNKGDPAS

ClinVar aggregate classification (germline): Conflicting classifications of pathogenicity. Review status: criteria provided, conflicting classifications (1 of 4 stars). 2 submissions from 2 submitters: Likely pathogenic (1); Uncertain significance (1). Last evaluated 2021-09-03.

Conditions:
Hematuria, benign familial, 1 (BFH1). Also called: THIN MEMBRANE NEPHROPATHY. Identifiers: MedGen CN376803, MONDO:0007709, OMIM 141200.
Autosomal recessive Alport syndrome (ATS2). Also called: Alport syndrome type 2; COL4A3-Related Nephropathy; ALPORT SYNDROME 2, AUTOSOMAL RECESSIVE; COL4A4 Alport Syndrome and Thin Basement Membrane Nephropathy. Identifiers: Orphanet 63, Orphanet 88919, MedGen C4746745, MONDO:0008762, OMIM 203780.

Submissions (2):

Labcorp Genetics (formerly Invitae), Labcorp
Classification: Uncertain significance. Last evaluated: 2021-09-03. Review status: criteria provided, single submitter. Criteria: Invitae Variant Classification Sherloc (09022015). Collection method: clinical testing. Allele origin: germline.
Comment: This sequence change replaces glycine with glutamic acid at codon 1069 of the COL4A4 protein (p.Gly1069Glu). The glycine residue is highly conserved and there is a moderate physicochemical difference between glycine and glutamic acid. In summary, the available evidence is currently insufficient to determine the role of this variant in disease. Therefore, it has been classified as a Variant of Uncertain Significance. Advanced modeling of protein sequence and biophysical properties (such as structural, functional, and spatial information, amino acid conservation, physicochemical variation, residue mobility, and thermodynamic stability) performed at Invitae indicates that this missense variant is expected to disrupt COL4A4 protein function. This missense change has been observed in individual(s) with autosomal recessive Alport syndrome (PMID: 22887978). This variant is not present in population databases (ExAC no frequency).

Juno Genomics, Hangzhou Juno Genomics, Inc
Classification: Likely pathogenic for Hematuria, benign familial, 1; Autosomal recessive Alport syndrome. Review status: criteria provided, single submitter. Criteria: ACMG Guidelines, 2015. Collection method: clinical testing. Allele origin: germline. Affected: yes.
Comment: Absent from controls (or at extremely low frequency if recessive) in Genome Aggregation Database, Exome Sequencing Project, 1000 Genomes Project, or Exome Aggregation Consortium.;Multiple lines of computational evidence support a deleterious effect on the gene or gene product (conservation, evolutionary, splicing impact, etc).;For recessive disorders, detected in trans with a pathogenic variant.;Patient's phenotype or family history is highly specific for a disease with a single genetic etiology.

Literature cited by the submitters: PubMed 22887978 (cited by Labcorp Genetics (formerly Invitae), Labcorp).